The following is an entry in ClinVar:

NM_020911.2(PLXNA4):c.3254T>A (p.Ile1085Asn)

Gene: PLXNA4 (plexin A4; minus strand). Cytogenetic location: 7q32.3.
Variant type: single nucleotide variant.
Coding change: c.3254T>A on transcript NM_020911.2 (MANE Select); coding-DNA position 3254, T replaced by A.
Protein change: p.Ile1085Asn; replaces isoleucine 1085 with asparagine.
Molecular consequence: missense variant.
Genome position (GRCh38, 1-based): chr7:132,181,619, A>T on the plus strand (T>A on the coding strand, the complement: PLXNA4 is on the minus strand). VCF-style: chr7-132181619-A-T. GRCh37 (hg19) VCF-style: chr7-131866378-A-T.
Other names: c.3254T>A, p.Ile1085Asn (NM_001393897.1); short protein forms I1085N.
Identifiers: ClinVar variation 3345829 (VCV003345829.1).
Genomic context (GRCh38, chr7:132,181,619, plus strand): 5'-GGACCCAGAGCGAGGGCGGGCGCCTGACAGGTCATCTCAGTAGCGTTCAGAACCTCACAG[A>T]TCTGTGGGAGGAGCCACAGAGTGGAGTCTATGCAGTATCTCCACATACCCACAGCCCCAG-3'
Protein context (NP_065962.1, residues 1075-1095): AKHGGKEHIN[Ile1085Asn]CEVLNATEMT

ClinVar aggregate classification (germline): Uncertain significance (0 of 4 stars; one submission).

Conditions:
PLXNA4-related disorder. Also called: PLXNA4-related condition.

gnomAD v4.1: 6 of 1,613,722 alleles (0.00037%); highest among the groups gnomAD compares: Admixed American, 0.01%; no homozygotes.

Submission:

PreventionGenetics, part of Exact Sciences
Classification: Uncertain significance for PLXNA4-related condition. Last evaluated: 2024-07-01. Review status: no assertion criteria provided. Collection method: clinical testing. Allele origin: germline.
Comment: The PLXNA4 c.3254T>A variant is predicted to result in the amino acid substitution p.Ile1085Asn. To our knowledge, this variant has not been reported in the literature. This variant is reported in 0.0058% of alleles in individuals of Latino descent in gnomAD. At this time, the clinical significance of this variant is uncertain due to the absence of conclusive functional and genetic evidence.